The following is an entry in ClinVar:

ClinVar aggregate classification (germline): Uncertain significance (1 of 4 stars; one submission).

Conditions:
Fetal akinesia deformation sequence 1 (FADS1). Also called: Pena-Shokeir syndrome type I; Fetal akinesia sequence. Identifiers: Orphanet 994, MedGen C1276035, MONDO:0100101, OMIM 208150, HP:0001989.
Congenital myasthenic syndrome 11. Also called: MYASTHENIC SYNDROME, CONGENITAL, Ie; Myasthenic syndrome, congenital, 11, associated with acetylcholine receptor deficiency. Identifiers: Orphanet 590, MedGen C4225367, MONDO:0014588, OMIM 616326.

gnomAD v4.1: 2 of 1,609,730 alleles (0.00012%); highest among the groups gnomAD compares: South Asian, 0.0022%; no homozygotes.

Submission:

Labcorp Genetics (formerly Invitae), Labcorp
Classification: Uncertain significance for Congenital myasthenic syndrome 11; Fetal akinesia deformation sequence 1. Last evaluated: 2022-08-10. Review status: criteria provided, single submitter. Criteria: Invitae Variant Classification Sherloc (09022015). Collection method: clinical testing. Allele origin: germline.
Comment: This sequence change replaces arginine, which is basic and polar, with leucine, which is neutral and non-polar, at codon 282 of the RAPSN protein (p.Arg282Leu). This variant is not present in population databases (gnomAD no frequency). This variant has not been reported in the literature in individuals affected with RAPSN-related conditions. ClinVar contains an entry for this variant (Variation ID: 1518617). Algorithms developed to predict the effect of missense changes on protein structure and function are either unavailable or do not agree on the potential impact of this missense change (SIFT: "Deleterious"; PolyPhen-2: "Possibly Damaging"; Align-GVGD: "Class C0"). In summary, the available evidence is currently insufficient to determine the role of this variant in disease. Therefore, it has been classified as a Variant of Uncertain Significance.

NM_005055.5(RAPSN):c.845G>T (p.Arg282Leu)

Gene: RAPSN (receptor associated protein of the synapse; minus strand). Cytogenetic location: 11p11.2.
Variant type: single nucleotide variant.
Coding change: c.845G>T on transcript NM_005055.5 (MANE Select); coding-DNA position 845, G replaced by T.
Protein change: p.Arg282Leu; replaces arginine 282 with leucine.
Molecular consequence: missense variant. On other transcripts: intron variant (1).
Genome position (GRCh38, 1-based): chr11:47,441,678, C>A on the plus strand (G>T on the coding strand, the complement: RAPSN is on the minus strand). VCF-style: chr11-47441678-C-A. GRCh37 (hg19) VCF-style: chr11-47463230-C-A.
Other names: c.789+145G>T (NM_032645.5); short protein forms R282L.
Identifiers: ClinVar variation 1518617 (VCV001518617.3), dbSNP rs143668632, ClinGen allele CA380329342.
Genomic context (GRCh38, chr11:47,441,678, plus strand): 5'-AGCGCCTTCCTGGCCACCCAGCACTTGGCCACACCCAGCAGCGCCTGCACCTGCCCCAGG[C>A]GGTTTCCGATCTCGGTCATGATGCTCATGGCGGAGTCGTACCTGGGGAAGGCTGTCTGCA-3'
Protein context (NP_005046.2, residues 272-292): AMSIMTEIGN[Arg282Leu]LGQVQALLGV